The following is an entry in ClinVar:

NM_017852.5(NLRP2):c.904G>C (p.Glu302Gln)

Gene: NLRP2 (NLR family pyrin domain containing 2; plus strand). Cytogenetic location: 19q13.42.
Variant type: single nucleotide variant.
Coding change: c.904G>C on transcript NM_017852.5 (MANE Select); coding-DNA position 904, G replaced by C.
Protein change: p.Glu302Gln; replaces glutamic acid 302 with glutamine.
Molecular consequence: missense variant. On other transcripts: non-coding transcript variant (1).
Genome position (GRCh38, 1-based): chr19:54,982,602, G>C. VCF-style: chr19-54982602-G-C. GRCh37 (hg19) VCF-style: chr19-55493970-G-C.
Other names: c.904G>C, p.Glu302Gln (NM_001174081.3); c.838G>C, p.Glu280Gln (NM_001174082.3); c.835G>C, p.Glu279Gln (NM_001174083.2); c.895G>C, p.Glu299Gln (NM_001348003.2); short protein forms E279Q, E280Q, E299Q, E302Q.
Identifiers: ClinVar variation 3047789 (VCV003047789.2), dbSNP rs3745904, ClinGen allele CA310103285.

ClinVar aggregate classification (germline): Likely benign (0 of 4 stars; one submission).

Conditions:
NLRP2-related disorder. Also called: NLRP2-related condition.

Allele frequency attached by ClinVar (database versions not stated): ESP Exome Variant Server 0.00015; gnomAD 0.00034; 1000 Genomes Project 30x 0.00062; 1000 Genomes Project 0.00080.
gnomAD v4.1: 618 of 1,614,144 alleles (0.038%); highest among the groups gnomAD compares: East Asian, 0.96%; 1 homozygote.

Submission:

PreventionGenetics, part of Exact Sciences
Classification: Likely benign for NLRP2-related condition. Last evaluated: 2021-02-15. Review status: no assertion criteria provided. Collection method: clinical testing. Allele origin: germline.
Comment: This variant is classified as likely benign based on ACMG/AMP sequence variant interpretation guidelines (Richards et al. 2015 PMID: 25741868, with internal and published modifications).